The following is an entry in ClinVar:

NM_006245.4(PPP2R5D):c.1325T>C (p.Val442Ala)

Gene: PPP2R5D (protein phosphatase 2 regulatory subunit B'delta; plus strand). Cytogenetic location: 6p21.1.
Variant type: single nucleotide variant.
Coding change: c.1325T>C on transcript NM_006245.4 (MANE Select); coding-DNA position 1325, T replaced by C.
Protein change: p.Val442Ala; replaces valine 442 with alanine.
Molecular consequence: missense variant.
Genome position (GRCh38, 1-based): chr6:43,009,395, T>C. VCF-style: chr6-43009395-T-C. GRCh37 (hg19) VCF-style: chr6-42977133-T-C.
Other names: c.872T>C, p.Val291Ala (NM_001270476.2); c.1229T>C, p.Val410Ala (NM_180976.3); c.1007T>C, p.Val336Ala (NM_180977.3); short protein forms V291A, V336A, V410A, V442A.
Identifiers: ClinVar variation 3612918 (VCV003612918.2).
Genomic context (GRCh38, chr6:43,009,395, plus strand): 5'-CTCTCTATTACTGGAACAATGAGTACATCATGAGCCTGATAAGTGACAATGCTGCCCGAG[T>C]CCTCCCCATCATGTTCCCTGCACTCTACAGGAACTCCAAGAGCCACTGGAACAAGTAAGG-3'
Protein context (NP_006236.1, residues 432-452): MSLISDNAAR[Val442Ala]LPIMFPALYR

ClinVar aggregate classification (germline): Uncertain significance (1 of 4 stars; one submission).

gnomAD v4.1: 26 of 1,613,664 alleles (0.0016%); highest among the groups gnomAD compares: Non-Finnish European, 0.0022%; no homozygotes.

Submission:

Labcorp Genetics (formerly Invitae), Labcorp
Classification: Uncertain significance. Last evaluated: 2024-07-24. Review status: criteria provided, single submitter. Criteria: Invitae Variant Classification Sherloc (09022015). Collection method: clinical testing. Allele origin: germline.
Comment: This sequence change replaces valine, which is neutral and non-polar, with alanine, which is neutral and non-polar, at codon 442 of the PPP2R5D protein (p.Val442Ala). This variant is present in population databases (rs773527644, gnomAD 0.002%). This variant has not been reported in the literature in individuals affected with PPP2R5D-related conditions. An algorithm developed to predict the effect of missense changes on protein structure and function (PolyPhen-2) suggests that this variant is likely to be tolerated. In summary, the available evidence is currently insufficient to determine the role of this variant in disease. Therefore, it has been classified as a Variant of Uncertain Significance.